The following is an entry in ClinVar:

ClinVar aggregate classification (germline): Uncertain significance. Review status: criteria provided, multiple submitters, no conflicts (2 of 4 stars). 2 submissions from 2 submitters: Uncertain significance (2). Last evaluated 2024-04-17.

Allele frequency attached by ClinVar (database versions not stated): ExAC 0.00001; gnomAD exomes 0.00006 and 0.00011; TOPMed 0.00006; gnomAD 0.00007; ESP Exome Variant Server 0.00008.
gnomAD v4.1: 175 of 1,614,032 alleles (0.011%); highest among the groups gnomAD compares: Non-Finnish European, 0.013%; no homozygotes.

Submissions (2):

Blueprint Genetics
Classification: Uncertain significance. Last evaluated: 2024-04-17. Review status: criteria provided, single submitter. Criteria: ACMG Guidelines, 2015. Collection method: clinical testing. Allele origin: germline.

Labcorp Genetics (formerly Invitae), Labcorp
Classification: Uncertain significance. Last evaluated: 2022-02-08. Review status: criteria provided, single submitter. Criteria: Invitae Variant Classification Sherloc (09022015). Collection method: clinical testing. Allele origin: germline.
Comment: This sequence change replaces methionine, which is neutral and non-polar, with threonine, which is neutral and polar, at codon 687 of the CDHR1 protein (p.Met687Thr). This variant is present in population databases (rs371108611, gnomAD 0.01%). This variant has not been reported in the literature in individuals affected with CDHR1-related conditions. ClinVar contains an entry for this variant (Variation ID: 1042292). Advanced modeling of protein sequence and biophysical properties (such as structural, functional, and spatial information, amino acid conservation, physicochemical variation, residue mobility, and thermodynamic stability) performed at Invitae indicates that this missense variant is not expected to disrupt CDHR1 protein function. In summary, the available evidence is currently insufficient to determine the role of this variant in disease. Therefore, it has been classified as a Variant of Uncertain Significance.

NM_033100.4(CDHR1):c.2060T>C (p.Met687Thr)

Gene: CDHR1 (cadherin related family member 1; plus strand). Cytogenetic location: 10q23.1.
Variant type: single nucleotide variant.
Coding change: c.2060T>C on transcript NM_033100.4 (MANE Select); coding-DNA position 2060, T replaced by C.
Protein change: p.Met687Thr; replaces methionine 687 with threonine.
Molecular consequence: missense variant. On other transcripts: intron variant (1).
Genome position (GRCh38, 1-based): chr10:84,214,101, T>C. VCF-style: chr10-84214101-T-C. GRCh37 (hg19) VCF-style: chr10-85973857-T-C.
Other names: c.2040+753T>C (NM_001171971.3); short protein forms M687T.
Identifiers: ClinVar variation 1042292 (VCV001042292.5), dbSNP rs371108611, ClinGen allele CA5580143.